The following is an entry in ClinVar:

ClinVar aggregate classification (germline): Uncertain significance. Review status: criteria provided, multiple submitters, no conflicts (2 of 4 stars). 2 submissions from 2 submitters: Uncertain significance (2). Last evaluated 2025-05-15.

Conditions:
Charcot-Marie-Tooth disease type 2. Also called: Charcot-Marie-Tooth type 2. Identifiers: Orphanet 64746, MedGen C0270914, MONDO:0018993.

Submissions (2):

GeneDx
Classification: Uncertain significance. Last evaluated: 2025-05-15. Review status: criteria provided, single submitter. Criteria: GeneDx Variant Classification Process June 2021. Collection method: clinical testing. Allele origin: germline. Affected: yes.
Comment: Not observed at significant frequency in large population cohorts (gnomAD); In silico analysis suggests that this missense variant does not alter protein structure/function; Has not been previously published as pathogenic or benign to our knowledge

Labcorp Genetics (formerly Invitae), Labcorp
Classification: Uncertain significance for Charcot-Marie-Tooth disease type 2. Last evaluated: 2023-06-17. Review status: criteria provided, single submitter. Criteria: Invitae Variant Classification Sherloc (09022015). Collection method: clinical testing. Allele origin: germline.
Comment: In summary, the available evidence is currently insufficient to determine the role of this variant in disease. Therefore, it has been classified as a Variant of Uncertain Significance. Advanced modeling of protein sequence and biophysical properties (such as structural, functional, and spatial information, amino acid conservation, physicochemical variation, residue mobility, and thermodynamic stability) performed at Invitae indicates that this missense variant is not expected to disrupt MFN2 protein function. ClinVar contains an entry for this variant (Variation ID: 1022654). This variant has not been reported in the literature in individuals affected with MFN2-related conditions. This variant is not present in population databases (gnomAD no frequency). This sequence change replaces methionine, which is neutral and non-polar, with valine, which is neutral and non-polar, at codon 381 of the MFN2 protein (p.Met381Val).

NM_014874.4(MFN2):c.1141A>G (p.Met381Val)

Gene: MFN2 (mitofusin 2; plus strand). Cytogenetic location: 1p36.22.
Variant type: single nucleotide variant.
Coding change: c.1141A>G on transcript NM_014874.4 (MANE Select); coding-DNA position 1141, A replaced by G.
Protein change: p.Met381Val; replaces methionine 381 with valine.
Molecular consequence: missense variant.
Genome position (GRCh38, 1-based): chr1:12,002,084, A>G. VCF-style: chr1-12002084-A-G. GRCh37 (hg19) VCF-style: chr1-12062141-A-G.
Other names: c.1141A>G (NM_014874.3); c.1141A>G, p.Met381Val (NM_001127660.2); short protein forms M381V.
Identifiers: ClinVar variation 1022654 (VCV001022654.9), dbSNP rs762210837, ClinGen allele CA18010376.